The following is an entry in ClinVar:

ClinVar aggregate classification (germline): Uncertain significance (1 of 4 stars; one submission).

Conditions:
Fanconi anemia complementation group O. Also called: RAD51C-Related Fanconi Anemia. Identifiers: Orphanet 84, MedGen C3150653, MONDO:0013248, OMIM 613390.

Submission:

Labcorp Genetics (formerly Invitae), Labcorp
Classification: Uncertain significance for Fanconi anemia complementation group O. Last evaluated: 2024-09-15. Review status: criteria provided, single submitter. Criteria: Invitae Variant Classification Sherloc (09022015). Collection method: clinical testing. Allele origin: germline.
Comment: This sequence change replaces glutamic acid, which is acidic and polar, with glycine, which is neutral and non-polar, at codon 92 of the RAD51C protein (p.Glu92Gly). This variant is not present in population databases (gnomAD no frequency). This variant has not been reported in the literature in individuals affected with RAD51C-related conditions. Invitae Evidence Modeling of protein sequence and biophysical properties (such as structural, functional, and spatial information, amino acid conservation, physicochemical variation, residue mobility, and thermodynamic stability) indicates that this missense variant is not expected to disrupt RAD51C protein function with a negative predictive value of 80%. In summary, the available evidence is currently insufficient to determine the role of this variant in disease. Therefore, it has been classified as a Variant of Uncertain Significance.

NM_058216.3(RAD51C):c.275A>G (p.Glu92Gly)

Gene: RAD51C (RAD51 paralog C; plus strand). Cytogenetic location: 17q22.
Variant type: single nucleotide variant.
Coding change: c.275A>G on transcript NM_058216.3 (MANE Select); coding-DNA position 275, A replaced by G.
Protein change: p.Glu92Gly; replaces glutamic acid 92 with glycine.
Molecular consequence: missense variant. On other transcripts: non-coding transcript variant (2).
Genome position (GRCh38, 1-based): chr17:58,695,060, A>G. VCF-style: chr17-58695060-A-G. GRCh37 (hg19) VCF-style: chr17-56772421-A-G.
Other names: c.275A>G, p.Glu92Gly (NM_002876.4); short protein forms E92G.
Identifiers: ClinVar variation 3715576 (VCV003715576.2).